The following is an entry in ClinVar:

NM_000435.3(NOTCH3):c.5668-9C>G

Gene: NOTCH3 (notch receptor 3; minus strand). Cytogenetic location: 19p13.12.
Variant type: single nucleotide variant.
Coding change: c.5668-9C>G on transcript NM_000435.3 (MANE Select); 9 bases into the intron before coding-DNA position 5668, C replaced by G.
Molecular consequence: intron variant.
Genome position (GRCh38, 1-based): chr19:15,165,524, G>C on the plus strand (C>G on the coding strand, the complement: NOTCH3 is on the minus strand). VCF-style: chr19-15165524-G-C. GRCh37 (hg19) VCF-style: chr19-15276335-G-C.
Other names: p.?.
Identifiers: ClinVar variation 994566 (VCV000994566.10), dbSNP rs375464998, ClinGen allele CA9262565.
Genomic context (GRCh38, chr19:15,165,524, plus strand): 5'-AGCCATCTGCCATGCGGGCATCCAAGTCTGTAGAGCGGTTTCGGATGAGAATCTAGGACA[G>C]AGAGTGGATGCAGCAGGAGGGGTCATGGCAGGAACAGAGGAATCAGGAGCACCCCTAAGT-3'

ClinVar aggregate classification (germline): Benign/Likely benign. Review status: criteria provided, multiple submitters, no conflicts (2 of 4 stars). 3 submissions from 3 submitters: Benign (1); Likely benign (2). Last evaluated 2025-08-12.

Allele frequency attached by ClinVar (database versions not stated): TOPMed 0.00010; 1000 Genomes Project 30x 0.00016; 1000 Genomes Project 0.00020; ESP Exome Variant Server 0.00031.
gnomAD v4.1: 32 of 1,610,734 alleles (0.002%); highest among the groups gnomAD compares: African/African-American, 0.037%; no homozygotes.

Submissions (3):

Mayo Clinic Laboratories, Mayo Clinic
Classification: Likely benign. Last evaluated: 2025-08-12. Review status: criteria provided, single submitter. Criteria: ACMG Guidelines, 2015. Collection method: clinical testing. Allele origin: germline. Observed: 1 variant allele.
Comment: BS2, BP4, BP7

Labcorp Genetics (formerly Invitae), Labcorp
Classification: Likely benign. Last evaluated: 2021-10-22. Review status: criteria provided, single submitter. Criteria: Invitae Variant Classification Sherloc (09022015). Collection method: clinical testing. Allele origin: germline.

Athena Diagnostics
Classification: Benign. Last evaluated: 2020-02-04. Review status: criteria provided, single submitter. Criteria: Athena Diagnostics Criteria. Collection method: clinical testing. Allele origin: unknown.